The following is an entry in ClinVar:

ClinVar aggregate classification (germline): Likely benign. Review status: criteria provided, multiple submitters, no conflicts (2 of 4 stars). 2 submissions from 2 submitters: Likely benign (2). Last evaluated 2025-12-30.

Conditions:
Tuberous sclerosis 2 (TSC2). Identifiers: Orphanet 805, MedGen C1860707, MONDO:0013199, OMIM 613254.

Allele frequency attached by ClinVar (database versions not stated): gnomAD exomes below 0.00001.
gnomAD v4.1: 1 of 1,613,262 alleles (0.000062%); highest among the groups gnomAD compares: Non-Finnish European, 0.000085%; no homozygotes.

Submissions (2):

Labcorp Genetics (formerly Invitae), Labcorp
Classification: Likely benign for Tuberous sclerosis 2. Last evaluated: 2025-12-30. Review status: criteria provided, single submitter. Criteria: Invitae Variant Classification Sherloc (09022015). Collection method: clinical testing. Allele origin: germline.

Myriad Genetics, Inc.
Classification: Likely benign for Tuberous sclerosis 2. Last evaluated: 2025-06-03. Review status: criteria provided, single submitter. Criteria: Myriad Autosomal Dominant, Autosomal Recessive and X-Linked Classification Criteria (2023). Collection method: clinical testing. Allele origin: unknown.
Comment: This variant is considered likely benign. This variant is intronic and is not expected to impact mRNA splicing.

NM_000548.5(TSC2):c.4494-8C>T

Gene: TSC2 (TSC complex subunit 2; plus strand). Cytogenetic location: 16p13.3.
Variant type: single nucleotide variant.
Coding change: c.4494-8C>T on transcript NM_000548.5 (MANE Select); 8 bases into the intron before coding-DNA position 4494, C replaced by T.
Molecular consequence: intron variant.
Genome position (GRCh38, 1-based): chr16:2,084,943, C>T. VCF-style: chr16-2084943-C-T. GRCh37 (hg19) VCF-style: chr16-2134944-C-T.
Other names: c.4425-8C>T (NM_001114382.3); c.4365-8C>T (NM_021055.3, NM_001370405.1); c.4296-8C>T (NM_001363528.2); c.4362-8C>T (NM_001370404.1); c.4293-8C>T (NM_001077183.3); c.4185-8C>T (NM_001318827.2); c.3762-8C>T (NM_001318831.2); c.4149-8C>T (NM_001318829.2); and 1 more.
Identifiers: ClinVar variation 1085790 (VCV001085790.10), dbSNP rs2090576761, ClinGen allele CA2202017876.